The following is an entry in ClinVar:

ClinVar aggregate classification (germline): Uncertain significance (1 of 4 stars; one submission).

Allele frequency attached by ClinVar (database versions not stated): gnomAD 0.00001.
gnomAD v4.1: 4 of 1,613,932 alleles (0.00025%); highest among the groups gnomAD compares: African/African-American, 0.0013%; no homozygotes.

Submission:

GeneDx
Classification: Uncertain significance. Last evaluated: 2025-06-23. Review status: criteria provided, single submitter. Criteria: GeneDx Variant Classification Process June 2021. Collection method: clinical testing. Allele origin: germline. Affected: yes.
Comment: In silico analysis suggests that this missense variant does not alter protein structure/function; Has not been previously published as pathogenic or benign to our knowledge

NM_014727.3(KMT2B):c.8093G>A (p.Ser2698Asn)

Gene: KMT2B (lysine methyltransferase 2B; plus strand). Cytogenetic location: 19q13.12.
Variant type: single nucleotide variant.
Coding change: c.8093G>A on transcript NM_014727.3 (MANE Select); coding-DNA position 8093, G replaced by A.
Protein change: p.Ser2698Asn; replaces serine 2698 with asparagine.
Molecular consequence: missense variant.
Genome position (GRCh38, 1-based): chr19:35,738,502, G>A. VCF-style: chr19-35738502-G-A. GRCh37 (hg19) VCF-style: chr19-36229403-G-A.
Other names: short protein forms S2698N.
Identifiers: ClinVar variation 1321589 (VCV001321589.3), dbSNP rs1392006340, ClinGen allele CA405441006.